The following is an entry in ClinVar:

NM_001127222.2(CACNA1A):c.2678G>A (p.Arg893Gln)

Gene: CACNA1A (calcium voltage-gated channel subunit alpha1 A; minus strand). Cytogenetic location: 19p13.13.
Variant type: single nucleotide variant.
Coding change: c.2678G>A on transcript NM_001127222.2 (MANE Select); coding-DNA position 2678, G replaced by A.
Protein change: p.Arg893Gln; replaces arginine 893 with glutamine.
Molecular consequence: missense variant.
Genome position (GRCh38, 1-based): chr19:13,298,955, C>T on the plus strand (G>A on the coding strand, the complement: CACNA1A is on the minus strand). VCF-style: chr19-13298955-C-T. GRCh37 (hg19) VCF-style: chr19-13409769-C-T.
Other names: p.Arg894Gln; c.2690G>A, p.Arg897Gln (NM_000068.4, NM_023035.3); c.2681G>A, p.Arg894Gln (NM_001127221.2, NM_001174080.2); short protein forms R894Q, R893Q, R897Q.
Identifiers: ClinVar variation 283510 (VCV000283510.49), dbSNP rs374664760, ClinGen allele CA9240503.

ClinVar aggregate classification (germline): Benign/Likely benign. Review status: criteria provided, multiple submitters, no conflicts (2 of 4 stars). 8 submissions from 8 submitters: Benign (6); Likely benign (2). Last evaluated 2026-08-01.

Conditions:
Developmental and epileptic encephalopathy, 42 (DEE42A). Also called: Epileptic encephalopathy, early infantile, 42; EPILEPTIC ENCEPHALOPATHY, EARLY INFANTILE, 42A; DEVELOPMENTAL AND EPILEPTIC ENCEPHALOPATHY 42A. Identifiers: MedGen C4310716, MONDO:0014917, OMIM 617106.
Episodic ataxia type 2 (EA2). Also called: ATAXIA, EPISODIC, WITH NYSTAGMUS; ATAXIA, FAMILIAL PAROXYSMAL; CEREBELLAR ATAXIA, PAROXYSMAL, ACETAZOLAMIDE-RESPONSIVE; ACETAZOLAMIDE-RESPONSIVE HEREDITARY PAROXYSMAL CEREBELLAR ATAXIA; CEREBELLOPATHY, HEREDITARY PAROXYSMAL; EPISODIC ATAXIA, NYSTAGMUS-ASSOCIATED. Identifiers: Orphanet 97, MedGen C1720416, MONDO:0007163, OMIM 108500.
Inborn genetic diseases. Identifiers: MedGen C0950123, MeSH D030342.

Allele frequency attached by ClinVar (database versions not stated): gnomAD exomes 0.00036 and 0.00102; ESP Exome Variant Server 0.00097; ExAC 0.00111; 1000 Genomes Project 0.00200; 1000 Genomes Project 30x 0.00219; gnomAD 0.00234 and 0.00262; TOPMed 0.00288.
gnomAD v4.1: 904 of 1,587,868 alleles (0.057%); highest among the groups gnomAD compares: African/African-American, 0.66%; no homozygotes.

Submissions (8):

CeGaT Center for Human Genetics Tuebingen
Classification: Likely benign. Last evaluated: 2026-08-01. Review status: criteria provided, single submitter. Criteria: CeGaT Center For Human Genetics Tuebingen Variant Classification Criteria Version 2. Collection method: clinical testing. Allele origin: germline. Affected: yes. Observed: 5 variant alleles.
Comment: CACNA1A: PP3, BS1

Labcorp Genetics (formerly Invitae), Labcorp
Classification: Benign for Developmental and epileptic encephalopathy, 42; Episodic ataxia type 2. Last evaluated: 2026-01-27. Review status: criteria provided, single submitter. Criteria: Invitae Variant Classification Sherloc (09022015). Collection method: clinical testing. Allele origin: germline.

Blueprint Genetics
Classification: Likely benign. Last evaluated: 2024-11-13. Review status: criteria provided, single submitter. Criteria: ACMG Guidelines, 2015. Collection method: clinical testing. Allele origin: germline.

Athena Diagnostics
Classification: Benign. Last evaluated: 2024-08-28. Review status: criteria provided, single submitter. Criteria: Athena Diagnostics Criteria. Collection method: clinical testing. Allele origin: unknown.

Mayo Clinic Laboratories, Mayo Clinic
Classification: Benign. Last evaluated: 2023-04-28. Review status: criteria provided, single submitter. Criteria: ACMG Guidelines, 2015. Collection method: clinical testing. Allele origin: germline. Observed: 3 variant alleles.
Comment: BS1, BS2

GeneDx
Classification: Benign. Last evaluated: 2019-08-30. Review status: criteria provided, single submitter. Criteria: GeneDx Variant Classification Process June 2021. Collection method: clinical testing. Allele origin: germline. Affected: yes.

Ambry Genetics
Classification: Benign for Inborn genetic diseases. Last evaluated: 2017-01-21. Review status: criteria provided, single submitter. Criteria: Ambry Variant Classification Scheme 2023. Collection method: clinical testing. Allele origin: germline.

Eurofins Ntd Llc (ga)
Classification: Benign. Last evaluated: 2015-09-28. Review status: criteria provided, single submitter. Criteria: EGL Classification Definitions 2015. Collection method: clinical testing. Allele origin: germline. Observed: 1 variant allele, 1 heterozygote.

Literature cited by the submitters: PubMed 36973604 (cited by Athena Diagnostics); PubMed 32343762 (cited by Athena Diagnostics).